The following is an entry in ClinVar:

ClinVar aggregate classification (germline): Uncertain significance (1 of 4 stars; one submission).

Submission:

Labcorp Genetics (formerly Invitae), Labcorp
Classification: Uncertain significance. Last evaluated: 2021-12-31. Review status: criteria provided, single submitter. Criteria: Invitae Variant Classification Sherloc (09022015). Collection method: clinical testing. Allele origin: germline.
Comment: This variant is not present in population databases (gnomAD no frequency). This sequence change replaces aspartic acid, which is acidic and polar, with asparagine, which is neutral and polar, at codon 1187 of the LAMB1 protein (p.Asp1187Asn). This variant has not been reported in the literature in individuals affected with LAMB1-related conditions. Algorithms developed to predict the effect of missense changes on protein structure and function are either unavailable or do not agree on the potential impact of this missense change (SIFT: "Deleterious"; PolyPhen-2: "Benign"; Align-GVGD: "Class C15"). In summary, the available evidence is currently insufficient to determine the role of this variant in disease. Therefore, it has been classified as a Variant of Uncertain Significance.

NM_002291.3(LAMB1):c.3559G>A (p.Asp1187Asn)

Gene: LAMB1 (laminin subunit beta 1; minus strand). Cytogenetic location: 7q31.1.
Variant type: single nucleotide variant.
Coding change: c.3559G>A on transcript NM_002291.3 (MANE Select); coding-DNA position 3559, G replaced by A.
Protein change: p.Asp1187Asn; replaces aspartic acid 1187 with asparagine.
Molecular consequence: missense variant.
Genome position (GRCh38, 1-based): chr7:107,940,191, C>T on the plus strand (G>A on the coding strand, the complement: LAMB1 is on the minus strand). VCF-style: chr7-107940191-C-T. GRCh37 (hg19) VCF-style: chr7-107580636-C-T.
Other names: short protein forms D1187N.
Identifiers: ClinVar variation 1954052 (VCV001954052.5), dbSNP rs2535409211, ClinGen allele CA368858685.